The following is an entry in ClinVar:

ClinVar aggregate classification (germline): Likely benign (0 of 4 stars; one submission).

Conditions:
MAPK8IP3-related disorder. Also called: MAPK8IP3-related condition.

Allele frequency attached by ClinVar (database versions not stated): TOPMed 0.00001; ExAC 0.00002; gnomAD 0.00002.
gnomAD v4.1: 24 of 1,609,322 alleles (0.0015%); highest among the groups gnomAD compares: South Asian, 0.0055%; no homozygotes.

Submission:

PreventionGenetics, part of Exact Sciences
Classification: Likely benign for MAPK8IP3-related condition. Last evaluated: 2024-02-18. Review status: no assertion criteria provided. Collection method: clinical testing. Allele origin: germline.
Comment: This variant is classified as likely benign based on ACMG/AMP sequence variant interpretation guidelines (Richards et al. 2015 PMID: 25741868, with internal and published modifications).

NM_001318852.2(MAPK8IP3):c.2036A>G (p.Asn679Ser)

Gene: MAPK8IP3 (mitogen-activated protein kinase 8 interacting protein 3; plus strand). Cytogenetic location: 16p13.3.
Variant type: single nucleotide variant.
Coding change: c.2036A>G on transcript NM_001318852.2 (MANE Select); coding-DNA position 2036, A replaced by G.
Protein change: p.Asn679Ser; replaces asparagine 679 with serine.
Molecular consequence: missense variant.
Genome position (GRCh38, 1-based): chr16:1,764,125, A>G. VCF-style: chr16-1764125-A-G. GRCh37 (hg19) VCF-style: chr16-1814126-A-G.
Other names: c.2015A>G, p.Asn672Ser (NM_001040439.2); c.2033A>G, p.Asn678Ser (NM_015133.5, NM_033392.3); short protein forms N672S, N678S, N679S.
Identifiers: ClinVar variation 3032031 (VCV003032031.2), dbSNP rs760191354, ClinGen allele CA7817123.